The following is an entry in ClinVar:

NM_000868.4(HTR2C):c.883C>T (p.Arg295Cys)

Genes: HTR2C (5-hydroxytryptamine receptor 2C; plus strand), LOC126863306 (MED14-independent group 3 enhancer GRCh37_chrX:114140926-114142125; plus strand). Cytogenetic location: Xq23.
Variant type: single nucleotide variant.
Coding change: c.883C>T on transcript NM_000868.4 (MANE Select); coding-DNA position 883, C replaced by T.
Protein change: p.Arg295Cys; replaces arginine 295 with cysteine.
Molecular consequence: missense variant. On other transcripts: 3 prime UTR variant (1).
Genome position (GRCh38, 1-based): chrX:114,906,921, C>T. VCF-style: chrX-114906921-C-T. GRCh37 (hg19) VCF-style: chrX-114141484-C-T.
Other names: c.883C>T, p.Arg295Cys (NM_001256760.3); c.*41C>T (NM_001256761.3); short protein forms R295C.
Identifiers: ClinVar variation 3348049 (VCV003348049.1).
Genomic context (GRCh38, chrX:114,906,921, plus strand): 5'-GAGAACTCTGCAAACCCTAACCAAGACCAGAACGCACGCCGAAGAAAGAAGAAGGAGAGA[C>T]GTCCTAGGGGCACCATGCAGGCTATCAACAATGAAAGAAAAGCTTCGAAAGTCCTTGGGA-3'
Protein context (NP_000859.2, residues 285-305): NARRRKKKER[Arg295Cys]PRGTMQAINN

ClinVar aggregate classification (germline): Uncertain significance (0 of 4 stars; one submission).

Conditions:
HTR2C-related disorder. Also called: HTR2C-related condition.

Submission:

PreventionGenetics, part of Exact Sciences
Classification: Uncertain significance for HTR2C-related condition. Last evaluated: 2024-01-10. Review status: no assertion criteria provided. Collection method: clinical testing. Allele origin: germline.
Comment: The HTR2C c.883C>T variant is predicted to result in the amino acid substitution p.Arg295Cys. To our knowledge, this variant has not been reported in the literature. This variant is reported in 0.0073% of alleles in individuals of Latino descent in gnomAD including 1 hemizygote. At this time, the clinical significance of this variant is uncertain due to the absence of conclusive functional and genetic evidence.